The following is an entry in ClinVar:

ClinVar aggregate classification (germline): Uncertain significance (1 of 4 stars; one submission).

Conditions:
Familial thoracic aortic aneurysm and aortic dissection (TAAD). Also called: Thoracic aortic aneurysms and dissections. Identifiers: Orphanet 91387, MedGen C4707243, MONDO:0019625.

Submission:

Color Diagnostics, LLC DBA Color Health
Classification: Uncertain significance for Familial thoracic aortic aneurysm and aortic dissection. Last evaluated: 2025-05-20. Review status: criteria provided, single submitter. Criteria: ACMG Guidelines, 2015. Collection method: clinical testing. Allele origin: germline.
Comment: This missense variant replaces aspartic acid with histidine at codon 1442 of the MYH11 protein. Computational prediction suggests that this variant may have deleterious impact on protein structure and function. To our knowledge, functional studies have not been reported for this variant. This variant has not been reported in individuals affected with MYH11-related disorders in the literature. This variant has not been identified in the general population by the Genome Aggregation Database (gnomAD). The available evidence is insufficient to determine the role of this variant in disease conclusively. Therefore, this variant is classified as a Variant of Uncertain Significance.

NM_002474.3(MYH11):c.4303G>C (p.Asp1435His)

Genes: MYH11 (myosin heavy chain 11; minus strand), NDE1 (nudE neurodevelopment protein 1; plus strand). Cytogenetic location: 16p13.11.
Variant type: single nucleotide variant.
Coding change: c.4303G>C on transcript NM_002474.3 (MANE Select); coding-DNA position 4303, G replaced by C.
Protein change: p.Asp1435His; replaces aspartic acid 1435 with histidine.
Molecular consequence: missense variant. On other transcripts: nonsense (2).
Genome position (GRCh38, 1-based): chr16:15,724,223, C>G on the plus strand (G>C on the coding strand, the complement: MYH11 is on the minus strand). VCF-style: chr16-15724223-C-G. GRCh37 (hg19) VCF-style: chr16-15818080-C-G.
Other names: c.4324G>C, p.Asp1442His (NM_001040113.2, NM_001040114.2); c.4303G>C, p.Asp1435His (NM_022844.3); c.980C>G, p.Ser327Ter (NM_001143979.2, NM_017668.3); short protein forms D1435H, D1442H, S327*.
Identifiers: ClinVar variation 4758695 (VCV004758695.1).
Genomic context (GRCh38, chr16:15,724,223, plus strand): 5'-GATCAAATTTCCTCTGCTTCTTTTCCAGGTTGGACACGAGTTGCCGCTGGTTGTCCAAAT[C>G]AACAACCAGGTCGTCCAGCTCCTGCTGAAGCCTGTTCTTGGTCTTTTCCAGTTTATCATA-3'
Protein context (NP_002465.1, residues 1425-1445): LQQELDDLVV[Asp1435His]LDNQRQLVSN